The following is an entry in ClinVar:

ClinVar aggregate classification (germline): Uncertain significance (1 of 4 stars; one submission).

Conditions:
Osteogenesis imperfecta type I (OI1). Also called: Lobstein disease; Osteogenesis imperfecta type 1; Classic Non-deforming Osteogenesis Imperfecta with Blue Sclerae; OI, TYPE I; OSTEOGENESIS IMPERFECTA TARDA; OSTEOGENESIS IMPERFECTA WITH BLUE SCLERAE. Identifiers: Orphanet 216796, Orphanet 666, MedGen C0023931, MONDO:0008146, OMIM 166200. Disease mechanism: loss of function.

Submission:

Labcorp Genetics (formerly Invitae), Labcorp
Classification: Uncertain significance for Osteogenesis imperfecta type I. Last evaluated: 2020-05-03. Review status: criteria provided, single submitter. Criteria: Invitae Variant Classification Sherloc (09022015). Collection method: clinical testing. Allele origin: germline.
Comment: In summary, the available evidence is currently insufficient to determine the role of this variant in disease. Therefore, it has been classified as a Variant of Uncertain Significance. Experimental studies and prediction algorithms are not available or were not evaluated, and the functional significance of this variant is currently unknown. This variant has not been reported in the literature in individuals with COL1A1-related conditions. This variant is not present in population databases (ExAC no frequency). This sequence change replaces glycine with valine at codon 1296 of the COL1A1 protein (p.Gly1296Val). The glycine residue is highly conserved and there is a moderate physicochemical difference between glycine and valine.

NM_000088.4(COL1A1):c.3887G>T (p.Gly1296Val)

Gene: COL1A1 (collagen type I alpha 1 chain; minus strand). Cytogenetic location: 17q21.33.
Variant type: single nucleotide variant.
Coding change: c.3887G>T on transcript NM_000088.4 (MANE Select); coding-DNA position 3887, G replaced by T.
Protein change: p.Gly1296Val; replaces glycine 1296 with valine.
Molecular consequence: missense variant.
Genome position (GRCh38, 1-based): chr17:50,186,435, C>A on the plus strand (G>T on the coding strand, the complement: COL1A1 is on the minus strand). VCF-style: chr17-50186435-C-A. GRCh37 (hg19) VCF-style: chr17-48263796-C-A.
Other names: short protein forms G1296V.
Identifiers: ClinVar variation 1002926 (VCV001002926.9), dbSNP rs1906529531, ClinGen allele CA400193645.